The following is an entry in ClinVar:

NM_001042492.3(NF1):c.2991-3T>G

Gene: NF1 (neurofibromin 1; plus strand). Cytogenetic location: 17q11.2.
Variant type: single nucleotide variant.
Coding change: c.2991-3T>G on transcript NM_001042492.3 (MANE Select); 3 bases into the intron before coding-DNA position 2991, T replaced by G.
Molecular consequence: intron variant.
Genome position (GRCh38, 1-based): chr17:31,230,257, T>G. VCF-style: chr17-31230257-T-G. GRCh37 (hg19) VCF-style: chr17-29557275-T-G.
Other names: c.2991-3T>G (NM_000267.4).
Identifiers: ClinVar variation 649473 (VCV000649473.2), dbSNP rs1597716778, ClinGen allele CA915949832.

ClinVar aggregate classification (germline): Pathogenic (1 of 4 stars; one submission).

Conditions:
Neurofibromatosis, type 1 (NF1). Also called: VON RECKLINGHAUSEN DISEASE; Neurofibromatosis, type I; NEUROFIBROMATOSIS, TYPE I, SOMATIC; Peripheral type neurofibromatosis. Identifiers: Orphanet 636, MedGen C0027831, MONDO:0018975, OMIM 162200. Disease mechanism: loss of function.

Submission:

Labcorp Genetics (formerly Invitae), Labcorp
Classification: Pathogenic for Neurofibromatosis, type 1. Last evaluated: 2025-03-17. Review status: criteria provided, single submitter. Criteria: Invitae Variant Classification Sherloc (09022015). Collection method: clinical testing. Allele origin: germline.
Comment: This sequence change falls in intron 22 of the NF1 gene. It does not directly change the encoded amino acid sequence of the NF1 protein. It affects a nucleotide within the consensus splice site. This variant is not present in population databases (gnomAD no frequency). This variant has been observed in individual(s) with clinical features of NF1-Noonan syndrome (internal data). In at least one individual the variant was observed to be de novo. ClinVar contains an entry for this variant (Variation ID: 649473). Variants that disrupt the consensus splice site are a relatively common cause of aberrant splicing (PMID: 17576681, 9536098). Algorithms developed to predict the effect of sequence changes on RNA splicing suggest that this variant may disrupt the consensus splice site. For these reasons, this variant has been classified as Pathogenic.

Literature cited by the submitters: PubMed 17576681; PubMed 9536098.